The following is an entry in ClinVar:

ClinVar aggregate classification (germline): Conflicting classifications of pathogenicity. Review status: criteria provided, conflicting classifications (1 of 4 stars). 5 submissions from 5 submitters: Uncertain significance (3); Likely benign (1). 1 of the submissions does not count toward it. Last evaluated 2025-09-09.

Conditions:
Autosomal recessive limb-girdle muscular dystrophy type 2B (LGMDR2). Also called: MUSCULAR DYSTROPHY, LIMB-GIRDLE, AUTOSOMAL RECESSIVE 2; MUSCULAR DYSTROPHY, LIMB-GIRDLE, TYPE 3; Limb-girdle muscular dystrophy, type 2B; Limb-Girdle Muscular Dystrophy Type 2B (LGMD2B). Identifiers: Orphanet 268, MedGen C1850889, MONDO:0009676, OMIM 253601.
Neuromuscular disease caused by qualitative or quantitative defects of dysferlin. Also called: Qualitative or quantitative defects of dysferlin; Dysferlinopathy. Identifiers: Orphanet 207073, MedGen C2931687, MONDO:0016145.

Allele frequency attached by ClinVar (database versions not stated): TOPMed 0.00002; gnomAD 0.00003; gnomAD exomes 0.00003.
gnomAD v4.1: 52 of 1,614,032 alleles (0.0032%); highest among the groups gnomAD compares: South Asian, 0.012%; no homozygotes.

Submissions (5):

Athena Diagnostics
Classification: Uncertain significance. Last evaluated: 2025-09-09. Review status: criteria provided, single submitter. Criteria: Athena Diagnostics Criteria. Collection method: clinical testing. Allele origin: unknown.
Comment: Available data are insufficient to determine the clinical significance of the variant at this time. The frequency of this variant in the general population is uninformative in assessment of its pathogenicity. Polyphen and MutationTaster predict this amino acid change may be benign.

Labcorp Genetics (formerly Invitae), Labcorp
Classification: Likely benign for Neuromuscular disease caused by qualitative or quantitative defects of dysferlin. Last evaluated: 2024-03-10. Review status: criteria provided, single submitter. Criteria: Invitae Variant Classification Sherloc (09022015). Collection method: clinical testing. Allele origin: germline.

Blueprint Genetics
Classification: Uncertain significance. Last evaluated: 2022-12-21. Review status: criteria provided, single submitter. Criteria: ACMG Guidelines, 2015. Collection method: clinical testing. Allele origin: germline.

Revvity Omics, Revvity
Classification: Uncertain significance. Last evaluated: 2019-11-19. Review status: criteria provided, single submitter. Criteria: ACMG Guidelines, 2015. Collection method: clinical testing. Allele origin: germline.

Natera, Inc.
Classification: Uncertain significance for Limb-girdle muscular dystrophy type 2B. Last evaluated: 2020-03-17. Review status: no assertion criteria provided. Collection method: clinical testing. Allele origin: germline. Not counted in ClinVar's aggregate classification.

NM_001130987.2(DYSF):c.2105G>A (p.Arg702Gln)

Gene: DYSF (dysferlin; plus strand). Cytogenetic location: 2p13.2.
Variant type: single nucleotide variant.
Coding change: c.2105G>A on transcript NM_001130987.2 (MANE Select); coding-DNA position 2105, G replaced by A.
Protein change: p.Arg702Gln; replaces arginine 702 with glutamine.
Molecular consequence: missense variant.
Genome position (GRCh38, 1-based): chr2:71,553,927, G>A. VCF-style: chr2-71553927-G-A. GRCh37 (hg19) VCF-style: chr2-71781057-G-A.
Other names: c.2054G>A, p.Arg685Gln (NM_001130455.2, NM_001130983.2); c.2009G>A, p.Arg670Gln (NM_001130976.2, NM_001130977.2); c.2051G>A, p.Arg684Gln (NM_001130978.2, NM_003494.4); c.2144G>A, p.Arg715Gln (NM_001130979.2); c.2102G>A, p.Arg701Gln (NM_001130980.2, NM_001130981.2); c.2147G>A, p.Arg716Gln (NM_001130982.2); c.2012G>A, p.Arg671Gln (NM_001130984.2, NM_001130986.2); c.2105G>A, p.Arg702Gln (NM_001130985.2); short protein forms R702Q, R670Q, R671Q, R684Q, R685Q, R701Q, R716Q, R715Q.
Identifiers: ClinVar variation 652064 (VCV000652064.12), dbSNP rs749488054, ClinGen allele CA1706040.